The following is an entry in ClinVar:

ClinVar aggregate classification (germline): Uncertain significance (1 of 4 stars; one submission).

Submission:

GeneDx
Classification: Uncertain significance. Last evaluated: 2025-06-17. Review status: criteria provided, single submitter. Criteria: GeneDx Variant Classification Process June 2021. Collection method: clinical testing. Allele origin: germline. Affected: yes.
Comment: Not observed at significant frequency in large population cohorts (gnomAD); In silico analysis suggests that this missense variant does not alter protein structure/function; Has not been previously published as pathogenic or benign to our knowledge

NM_001008537.3(NEXMIF):c.1772A>C (p.Lys591Thr)

Gene: NEXMIF (neurite extension and migration factor; minus strand). Cytogenetic location: Xq13.3.
Variant type: single nucleotide variant.
Coding change: c.1772A>C on transcript NM_001008537.3 (MANE Select); coding-DNA position 1772, A replaced by C.
Protein change: p.Lys591Thr; replaces lysine 591 with threonine.
Molecular consequence: missense variant.
Genome position (GRCh38, 1-based): chrX:74,742,785, T>G on the plus strand (A>C on the coding strand, the complement: NEXMIF is on the minus strand). VCF-style: chrX-74742785-T-G. GRCh37 (hg19) VCF-style: chrX-73962620-T-G.
Other names: short protein forms K591T.
Identifiers: ClinVar variation 4538709 (VCV004538709.1).